The following is an entry in ClinVar:

ClinVar aggregate classification (germline): Pathogenic (0 of 4 stars; one submission).

Submission:

GenMed Metabolism Lab
Classification: Pathogenic. Review status: no assertion criteria provided. Collection method: not provided. Allele origin: unknown.
ClinVar note: Converted during submission from pathogenic to Pathogenic.

NM_000531.6(OTC):c.908G>A (p.Cys303Tyr)

Gene: OTC (ornithine transcarbamylase; plus strand). Cytogenetic location: Xp11.4.
Variant type: single nucleotide variant.
Coding change: c.908G>A on transcript NM_000531.6 (MANE Select); coding-DNA position 908, G replaced by A.
Protein change: p.Cys303Tyr; replaces cysteine 303 with tyrosine.
Molecular consequence: missense variant.
Genome position (GRCh38, 1-based): chrX:38,411,902, G>A. VCF-style: chrX-38411902-G-A. GRCh37 (hg19) VCF-style: chrX-38271155-G-A.
Other names: short protein forms C303Y.
Identifiers: ClinVar variation 97358 (VCV000097358.2), dbSNP rs72558464, ClinGen allele CA224833.